The following is an entry in ClinVar:

ClinVar aggregate classification (germline): Conflicting classifications of pathogenicity. Review status: criteria provided, conflicting classifications (1 of 4 stars). 2 submissions from 2 submitters: Likely pathogenic (1); Uncertain significance (1). Last evaluated 2026-09-17.

Conditions:
CFI-related disorder. Also called: CFI-related condition; CFI-related disorders. Identifiers: MedGen CN239325.

Allele frequency attached by ClinVar (database versions not stated): gnomAD 0.00001 and 0.00002; gnomAD exomes 0.00001; ExAC 0.00002; TOPMed 0.00002; ESP Exome Variant Server 0.00008.
gnomAD v4.1: 51 of 1,613,336 alleles (0.0032%); highest among the groups gnomAD compares: Non-Finnish European, 0.0037%; no homozygotes.

Submissions (2):

Genomenon, Inc
Classification: Likely pathogenic for CFI-related disorder. Last evaluated: 2026-09-17. Review status: criteria provided, single submitter. Criteria: Genomenon Sequence Variant Interpretation Standards - Updated. Collection method: curation. Allele origin: germline. Affected: yes.
Comment: CFI p.Asp403Asn (c.1207G>A) is a missense variant that changes the amino acid at codon 403 from Aspartic acid to Asparagine. This variant has been observed in at least one proband affected with a CFI-related disorder (PMID:32510551;28752844;31312772;23307876;20016463;30890598). Functional studies have been reported (PMID:31312772;32510551;22393059). This variant is located in a mutational hotspot and/or important functional domain. It is absent or not present at a significant frequency in gnomAD. In silico models predict that this variant is not damaging. In conclusion, we classify CFI p.Asp403Asn (c.1207G>A) as a likely pathogenic variant.

Labcorp Genetics (formerly Invitae), Labcorp
Classification: Uncertain significance. Last evaluated: 2025-06-11. Review status: criteria provided, single submitter. Criteria: Invitae Variant Classification Sherloc (09022015). Collection method: clinical testing. Allele origin: germline.
Comment: This sequence change replaces aspartic acid, which is acidic and polar, with asparagine, which is neutral and polar, at codon 403 of the CFI protein (p.Asp403Asn). This variant is present in population databases (rs139881195, gnomAD 0.007%). This missense change has been observed in individual(s) with clinical features of atypical hemolytic uremic syndrome and/or macular degeneration (PMID: 20016463, 23307876, 24036952, 28752844, 31312772). ClinVar contains an entry for this variant (Variation ID: 1504040). Invitae Evidence Modeling of protein sequence and biophysical properties (such as structural, functional, and spatial information, amino acid conservation, physicochemical variation, residue mobility, and thermodynamic stability) indicates that this missense variant is not expected to disrupt CFI protein function with a negative predictive value of 80%. Experimental studies have shown that this missense change does not substantially affect CFI function (PMID: 31312772, 32510551). In summary, the available evidence is currently insufficient to determine the role of this variant in disease. Therefore, it has been classified as a Variant of Uncertain Significance.

Literature cited by the submitters: PubMed 32510551 (cited by Genomenon, Inc and Labcorp Genetics (formerly Invitae), Labcorp); PubMed 28752844 (cited by Genomenon, Inc and Labcorp Genetics (formerly Invitae), Labcorp); PubMed 31312772 (cited by Genomenon, Inc and Labcorp Genetics (formerly Invitae), Labcorp); PubMed 23307876 (cited by Genomenon, Inc and Labcorp Genetics (formerly Invitae), Labcorp); PubMed 20016463 (cited by Genomenon, Inc and Labcorp Genetics (formerly Invitae), Labcorp); PubMed 30890598 (cited by Genomenon, Inc); PubMed 22393059 (cited by Genomenon, Inc); PubMed 24036952 (cited by Labcorp Genetics (formerly Invitae), Labcorp).

NM_000204.5(CFI):c.1207G>A (p.Asp403Asn)

Gene: CFI (complement factor I; minus strand). Cytogenetic location: 4q25.
Variant type: single nucleotide variant.
Coding change: c.1207G>A on transcript NM_000204.5 (MANE Select); coding-DNA position 1207, G replaced by A.
Protein change: p.Asp403Asn; replaces aspartic acid 403 with asparagine.
Molecular consequence: missense variant. On other transcripts: non-coding transcript variant (2).
Genome position (GRCh38, 1-based): chr4:109,746,444, C>T on the plus strand (G>A on the coding strand, the complement: CFI is on the minus strand). VCF-style: chr4-109746444-C-T. GRCh37 (hg19) VCF-style: chr4-110667600-C-T.
Other names: c.1231G>A, p.Asp411Asn (NM_001318057.2, NM_001375278.1); c.1186G>A, p.Asp396Asn (NM_001331035.2, NM_001375280.1, NM_001375282.1); c.1207G>A, p.Asp403Asn (NM_001375279.1, NM_001375281.1); c.1150G>A, p.Asp384Asn (NM_001375283.1); c.598G>A, p.Asp200Asn (NM_001375284.1); short protein forms D384N, D403N, D411N, D396N, D200N.
Identifiers: ClinVar variation 1504040 (VCV001504040.8), dbSNP rs139881195, ClinGen allele CA3041971.